The following is an entry in ClinVar:

NM_015599.3(PGM3):c.322_323insGATTG (p.Asp108fs)

Gene: PGM3 (phosphoglucomutase 3; minus strand). Cytogenetic location: 6q14.1.
Variant type: Insertion.
Coding change: c.322_323insGATTG on transcript NM_015599.3 (MANE Select); coding-DNA positions 322 to 323, GATTG inserted.
Protein change: p.Asp108fs; shifts the reading frame from aspartic acid 108.
Molecular consequence: frameshift variant. On other transcripts: non-coding transcript variant (1).
Genome position: GRCh38 VCF-style: chr6-83188680-T-TCAATC. GRCh37 (hg19) VCF-style: chr6-83898399-T-TCAATC.
Other names: c.406_407insGATTG, p.Asp136fs (NM_001199917.2, NM_001367287.1); c.79_80insGATTG, p.Asp27fs (NM_001199918.2); c.322_323insGATTG, p.Asp108fs (NM_001199919.2, NM_001367286.1); short protein forms D136fs, D27fs, D108fs.
Identifiers: ClinVar variation 2709928 (VCV002709928.3), dbSNP rs2538210853, ClinGen allele CA2697553572.
Genomic context (GRCh38, chr6:83,188,680, plus strand): 5'-TCTCTACCAATAACTACAAAGGCATCTTGTTGCAGATTCACAGCTTCTTTCTCGCTGATG[T>TCAATC]CAATAAGCACTCTCTGCATATCTTGTTCCTCAGCATTTGCTAAACAGGTGGCATGTTCCT-3'

ClinVar aggregate classification (germline): Pathogenic (1 of 4 stars; one submission).

Conditions:
Immunodeficiency 23 (IMD23). Also called: IMMUNODEFICIENCY WITH HYPER IgE AND COGNITIVE IMPAIRMENT; IMMUNODEFICIENCY-VASCULITIS-MYOCLONUS SYNDROME. Identifiers: Orphanet 443811, MedGen C4014371, MONDO:0014353, OMIM 615816.

Submission:

Labcorp Genetics (formerly Invitae), Labcorp
Classification: Pathogenic for Immunodeficiency 23. Last evaluated: 2024-01-17. Review status: criteria provided, single submitter. Criteria: Invitae Variant Classification Sherloc (09022015). Collection method: clinical testing. Allele origin: germline.
Comment: This sequence change creates a premature translational stop signal (p.Asp136Glyfs*10) in the PGM3 gene. It is expected to result in an absent or disrupted protein product. Loss-of-function variants in PGM3 are known to be pathogenic (PMID: 17548465, 24589341, 24931394). This variant is not present in population databases (gnomAD no frequency). This variant has not been reported in the literature in individuals affected with PGM3-related conditions. Algorithms developed to predict the effect of sequence changes on RNA splicing suggest that this variant may disrupt the consensus splice site. For these reasons, this variant has been classified as Pathogenic.

Literature cited by the submitters: PubMed 17548465; PubMed 24589341; PubMed 24931394.